The following is an entry in ClinVar:

ClinVar aggregate classification (germline): Uncertain significance (1 of 4 stars; one submission).

Conditions:
Deficiency of beta-ureidopropionase (UPB1D). Also called: Beta-ureidopropionase deficiency. Identifiers: Orphanet 65287, MedGen C1291512, MONDO:0013164, OMIM 613161.

gnomAD v4.1: 21 of 1,614,096 alleles (0.0013%); highest among the groups gnomAD compares: South Asian, 0.012%; no homozygotes.

Submission:

Diagnostics Services (NGS), CSIR - Centre For Cellular And Molecular Biology
Classification: Uncertain significance for Deficiency of beta-ureidopropionase. Last evaluated: 2026-01-23. Review status: criteria provided, single submitter. Criteria: ACMG Guidelines, 2015. Collection method: clinical testing. Allele origin: germline. Affected: no. Observed: 1 variant allele, 1 heterozygote.
Comment: The c.209G>A variant is not present in 1000 Genomes, EVS and Indian Exome Database. The variant is present in gnomAD and our internal database, at low frequencies. This variant has neither been published in the literature for UPB1-related conditions nor reported to clinical databases like Human Genome Mutation Database (HGMD), ClinVar or OMIM in any affected individuals. In-silico pathogenicity prediction programs like SIFT, Polyphen-2, MutationTaster2021, CADD etc predicted this variant to be likely deleterious however these predictions were not confirmed by published functional studies.

NM_016327.3(UPB1):c.209G>A (p.Arg70His)

Gene: UPB1 (beta-ureidopropionase 1; plus strand). Cytogenetic location: 22q11.23.
Variant type: single nucleotide variant.
Coding change: c.209G>A on transcript NM_016327.3 (MANE Select); coding-DNA position 209, G replaced by A.
Protein change: p.Arg70His; replaces arginine 70 with histidine.
Molecular consequence: missense variant.
Genome position (GRCh38, 1-based): chr22:24,500,211, G>A. VCF-style: chr22-24500211-G-A. GRCh37 (hg19) VCF-style: chr22-24896179-G-A.
Other names: short protein forms R70H.
Identifiers: ClinVar variation 4849692 (VCV004849692.1).